The following is an entry in ClinVar:

ClinVar aggregate classification (germline): Likely benign. Review status: criteria provided, single submitter (1 of 4 stars). 2 submissions from 2 submitters: Likely benign (1). 1 of the submissions does not count toward it. Last evaluated 2024-10-14.

Conditions:
CUBN-related disorder. Also called: CUBN-related condition.
Imerslund-Grasbeck syndrome. Also called: Megaloblastic anemia due to inborn errors of metabolism; ENTEROCYTE COBALAMIN MALABSORPTION; ENTEROCYTE INTRINSIC FACTOR RECEPTOR, DEFECT OF; PERNICIOUS ANEMIA, JUVENILE, DUE TO SELECTIVE INTESTINAL MALABSORPTION OF VITAMIN B12, WITH PROTEINURIA; Imerslund-Gräsbeck syndrome. Identifiers: Orphanet 35858, MedGen C4551825, MONDO:0009853.

Allele frequency attached by ClinVar (database versions not stated): TOPMed 0.00003; gnomAD 0.00005 and 0.00009; ESP Exome Variant Server 0.00015; ExAC 0.00016; gnomAD exomes 0.00016.
gnomAD v4.1: 203 of 1,613,926 alleles (0.013%); highest among the groups gnomAD compares: South Asian, 0.11%; no homozygotes.

Submissions (2):

Labcorp Genetics (formerly Invitae), Labcorp
Classification: Likely benign for Imerslund-Grasbeck syndrome. Last evaluated: 2024-10-14. Review status: criteria provided, single submitter. Criteria: Invitae Variant Classification Sherloc (09022015). Collection method: clinical testing. Allele origin: germline.

PreventionGenetics, part of Exact Sciences
Classification: Likely benign for CUBN-related condition. Last evaluated: 2021-03-22. Review status: no assertion criteria provided. Collection method: clinical testing. Allele origin: germline. Not counted in ClinVar's aggregate classification.
Comment: This variant is classified as likely benign based on ACMG/AMP sequence variant interpretation guidelines (Richards et al. 2015 PMID: 25741868, with internal and published modifications).

NM_001081.4(CUBN):c.9315C>T (p.Ser3105=)

Gene: CUBN (cubilin; minus strand). Cytogenetic location: 10p13.
Variant type: single nucleotide variant.
Coding change: c.9315C>T on transcript NM_001081.4 (MANE Select); coding-DNA position 9315, C replaced by T.
Protein change: p.Ser3105=; no amino-acid change (serine 3105 retained).
Molecular consequence: synonymous variant.
Genome position (GRCh38, 1-based): chr10:16,869,775, G>A on the plus strand (C>T on the coding strand, the complement: CUBN is on the minus strand). VCF-style: chr10-16869775-G-A. GRCh37 (hg19) VCF-style: chr10-16911774-G-A.
Other names: c.9315C>T (NM_001081.3).
Identifiers: ClinVar variation 1624877 (VCV001624877.10), dbSNP rs376662992, ClinGen allele CA5422738.